The following is an entry in ClinVar:

NM_004369.4(COL6A3):c.3287G>A (p.Arg1096His)

Gene: COL6A3 (collagen type VI alpha 3 chain; minus strand). Cytogenetic location: 2q37.3.
Variant type: single nucleotide variant.
Coding change: c.3287G>A on transcript NM_004369.4 (MANE Select); coding-DNA position 3287, G replaced by A.
Protein change: p.Arg1096His; replaces arginine 1096 with histidine.
Molecular consequence: missense variant.
Genome position (GRCh38, 1-based): chr2:237,374,804, C>T on the plus strand (G>A on the coding strand, the complement: COL6A3 is on the minus strand). VCF-style: chr2-237374804-C-T. GRCh37 (hg19) VCF-style: chr2-238283447-C-T.
Other names: c.2066G>A, p.Arg689His (NM_057164.5); c.2669G>A, p.Arg890His (NM_057165.5, NM_057167.4); c.1466G>A, p.Arg489His (NM_057166.5); short protein forms R689H, R489H, R890H.
Identifiers: ClinVar variation 166945 (VCV000166945.21), dbSNP rs200860322, ClinGen allele CA233841.
Genomic context (GRCh38, chr2:237,374,804, plus strand): 5'-AGGACAAACTCCAGGGCGGCCCCGGTGTTGGGGGTCGGCCCTCCCAGCAGGGTCAGCTGG[C>T]GGACAGCGTTGACGACGTCCTGCTTGTTCATGTATGAATTCAGGTAGAACTCGGGCCTGG-3'
Protein context (NP_004360.2, residues 1086-1106): MNKQDVVNAV[Arg1096His]QLTLLGGPTP

ClinVar aggregate classification (germline): Conflicting classifications of pathogenicity. Review status: criteria provided, conflicting classifications (1 of 4 stars). 5 submissions from 5 submitters: Uncertain significance (4); Likely benign (1). Last evaluated 2026-05-08.

Conditions:
Bethlem myopathy 1A. Also called: Bethlem Muscular Dystrophy; Bethlem myopathy 1; MYOPATHY, BENIGN CONGENITAL, WITH CONTRACTURES. Identifiers: Orphanet 610, MedGen CN029274, MONDO:0024530, OMIM 158810.

Allele frequency attached by ClinVar (database versions not stated): gnomAD exomes 0.00002 and 0.00003; gnomAD 0.00004; ExAC 0.00002; ESP Exome Variant Server 0.00008; TOPMed 0.00005.
gnomAD v4.1: 48 of 1,613,924 alleles (0.003%); highest among the groups gnomAD compares: Middle Eastern, 0.016%; no homozygotes.

Submissions (5):

Women's Health and Genetics/Laboratory Corporation of America, LabCorp
Classification: Uncertain significance. Last evaluated: 2026-05-08. Review status: criteria provided, single submitter. Criteria: LabCorp Variant Classification Summary - May 2015. Collection method: clinical testing. Allele origin: germline.
Comment: Variant summary: COL6A3 c.3287G>A (p.Arg1096His) results in a non-conservative amino acid change in the encoded protein sequence. Algorithms developed to predict the effect of missense changes on protein structure and function are either unavailable or do not agree on the potential impact of this missense change. The variant allele was found at a frequency of 2e-05 in 251294 control chromosomes. The available data on variant occurrences in the general population are insufficient to allow any conclusion about variant significance. To our knowledge, no occurrence of c.3287G>A in individuals affected with COL6A3-related conditions and no experimental evidence demonstrating its impact on protein function have been reported. ClinVar contains an entry for this variant (Variation ID: 166945). Based on the evidence outlined above, the variant was classified as uncertain significance.

GeneDx
Classification: Uncertain significance. Last evaluated: 2026-02-20. Review status: criteria provided, single submitter. Criteria: GeneDx Variant Classification Process June 2021. Collection method: clinical testing. Allele origin: germline.
Comment: In silico analysis suggests that this missense variant does not alter protein structure/function; Has not been previously published as pathogenic or benign to our knowledge

Labcorp Genetics (formerly Invitae), Labcorp
Classification: Likely benign for Bethlem myopathy 1A. Last evaluated: 2024-08-05. Review status: criteria provided, single submitter. Criteria: Invitae Variant Classification Sherloc (09022015). Collection method: clinical testing. Allele origin: germline.

Revvity Omics, Revvity
Classification: Uncertain significance. Last evaluated: 2021-10-13. Review status: criteria provided, single submitter. Criteria: ACMG Guidelines, 2015. Collection method: clinical testing. Allele origin: germline.

Eurofins Ntd Llc (ga)
Classification: Uncertain significance. Last evaluated: 2016-11-03. Review status: criteria provided, single submitter. Criteria: EGL Classification Definitions 2015. Collection method: clinical testing. Allele origin: germline. Observed: 2 variant alleles, 2 heterozygotes.